The following is an entry in ClinVar:

ClinVar aggregate classification (germline): Uncertain significance. Review status: criteria provided, multiple submitters, no conflicts (2 of 4 stars). 2 submissions from 2 submitters: Uncertain significance (2). Last evaluated 2025-10-14.

Allele frequency attached by ClinVar (database versions not stated): gnomAD 0.00001.
gnomAD v4.1: 2 of 1,612,850 alleles (0.00012%); highest among the groups gnomAD compares: Non-Finnish European, 0.00017%; no homozygotes.

Submissions (2):

Labcorp Genetics (formerly Invitae), Labcorp
Classification: Uncertain significance. Last evaluated: 2025-10-14. Review status: criteria provided, single submitter. Criteria: Invitae Variant Classification Sherloc (09022015). Collection method: clinical testing. Allele origin: germline.
Comment: This sequence change replaces isoleucine, which is neutral and non-polar, with methionine, which is neutral and non-polar, at codon 582 of the NPAT protein (p.Ile582Met). This variant is not present in population databases (gnomAD no frequency). This variant has not been reported in the literature in individuals affected with NPAT-related conditions. ClinVar contains an entry for this variant (Variation ID: 1779309). An algorithm developed to predict the effect of missense changes on protein structure and function outputs the following: PolyPhen-2: "Benign". The methionine amino acid residue is found in multiple mammalian species, which suggests that this missense change does not adversely affect protein function. In summary, the available evidence is currently insufficient to determine the role of this variant in disease. Therefore, it has been classified as a Variant of Uncertain Significance.

Ambry Genetics
Classification: Uncertain significance. Last evaluated: 2022-06-10. Review status: criteria provided, single submitter. Criteria: Ambry Variant Classification Scheme 2023. Collection method: clinical testing. Allele origin: germline.
Comment: The p.I582M variant (also known as c.1746T>G), located in coding exon 13 of the NPAT gene, results from a T to G substitution at nucleotide position 1746. The isoleucine at codon 582 is replaced by methionine, an amino acid with highly similar properties. This amino acid position is conserved. In addition, this alteration is predicted to be tolerated by in silico analysis. Since supporting evidence is limited at this time, the clinical significance of this alteration remains unclear.

NM_002519.3(NPAT):c.1746T>G (p.Ile582Met)

Gene: NPAT (nuclear protein, coactivator of histone transcription; minus strand). Cytogenetic location: 11q22.3.
Variant type: single nucleotide variant.
Coding change: c.1746T>G on transcript NM_002519.3 (MANE Select); coding-DNA position 1746, T replaced by G.
Protein change: p.Ile582Met; replaces isoleucine 582 with methionine.
Molecular consequence: missense variant.
Genome position (GRCh38, 1-based): chr11:108,173,238, A>C on the plus strand (T>G on the coding strand, the complement: NPAT is on the minus strand). VCF-style: chr11-108173238-A-C. GRCh37 (hg19) VCF-style: chr11-108043965-A-C.
Other names: c.1746T>G, p.Ile582Met (NM_001321307.1); short protein forms I582M.
Identifiers: ClinVar variation 1779309 (VCV001779309.3), dbSNP rs1565311396, ClinGen allele CA382514447.